The following is an entry in ClinVar:

ClinVar aggregate classification (germline): Uncertain significance. Review status: criteria provided, multiple submitters, no conflicts (2 of 4 stars). 2 submissions from 2 submitters: Uncertain significance (2). Last evaluated 2024-05-04.

Conditions:
Joubert syndrome 28 (JBTS28). Identifiers: MedGen C4310705, MONDO:0014928, OMIM 617121.
Meckel syndrome, type 1 (MKS1). Also called: MECKEL-GRUBER SYNDROME, TYPE 1. Identifiers: Orphanet 564, MedGen C3714506, MONDO:0009571, OMIM 249000.
Bardet-Biedl syndrome 13 (BBS13). Identifiers: Orphanet 110, MedGen C2673873, MONDO:0014441, OMIM 615990.
Meckel-Gruber syndrome. Also called: DYSENCEPHALIA SPLANCHNOCYSTICA; GRUBER SYNDROME; Dysencephalia splachnocystica. Identifiers: Orphanet 564, MedGen C0265215, MONDO:0018921.
Joubert syndrome. Also called: CEREBELLOPARENCHYMAL DISORDER IV; JOUBERT-BOLTSHAUSER SYNDROME; Familial aplasia of the vermis. Identifiers: Orphanet 475, MedGen C5979921, MONDO:0018772.

Allele frequency attached by ClinVar (database versions not stated): gnomAD exomes below 0.00001; gnomAD 0.00001; TOPMed 0.00001.
gnomAD v4.1: 17 of 1,614,052 alleles (0.0011%); highest among the groups gnomAD compares: Admixed American, 0.0017%; no homozygotes.

Submissions (2):

Fulgent Genetics
Classification: Uncertain significance for Meckel syndrome, type 1; Bardet-Biedl syndrome 13; Joubert syndrome 28. Last evaluated: 2024-05-04. Review status: criteria provided, single submitter. Criteria: ACMG Guidelines, 2015. Collection method: clinical testing. Allele origin: germline.

Labcorp Genetics (formerly Invitae), Labcorp
Classification: Uncertain significance for Joubert syndrome; Meckel-Gruber syndrome. Last evaluated: 2024-04-22. Review status: criteria provided, single submitter. Criteria: Invitae Variant Classification Sherloc (09022015). Collection method: clinical testing. Allele origin: germline.
Comment: This sequence change replaces tryptophan, which is neutral and slightly polar, with arginine, which is basic and polar, at codon 407 of the MKS1 protein (p.Trp407Arg). This variant is present in population databases (no rsID available, gnomAD 0.0009%). This variant has not been reported in the literature in individuals affected with MKS1-related conditions. ClinVar contains an entry for this variant (Variation ID: 1470972). Advanced modeling of protein sequence and biophysical properties (such as structural, functional, and spatial information, amino acid conservation, physicochemical variation, residue mobility, and thermodynamic stability) performed at Invitae indicates that this missense variant is expected to disrupt MKS1 protein function with a positive predictive value of 80%. In summary, the available evidence is currently insufficient to determine the role of this variant in disease. Therefore, it has been classified as a Variant of Uncertain Significance.

NM_017777.4(MKS1):c.1219T>C (p.Trp407Arg)

Gene: MKS1 (MKS transition zone complex subunit 1; minus strand). Cytogenetic location: 17q22.
Variant type: single nucleotide variant.
Coding change: c.1219T>C on transcript NM_017777.4 (MANE Select); coding-DNA position 1219, T replaced by C.
Protein change: p.Trp407Arg; replaces tryptophan 407 with arginine.
Molecular consequence: missense variant.
Genome position (GRCh38, 1-based): chr17:58,207,948, A>G on the plus strand (T>C on the coding strand, the complement: MKS1 is on the minus strand). VCF-style: chr17-58207948-A-G. GRCh37 (hg19) VCF-style: chr17-56285309-A-G.
Other names: c.610T>C, p.Trp204Arg (NM_001321268.2); c.1219T>C, p.Trp407Arg (NM_001321269.2, NM_001330397.2); short protein forms W204R, W407R.
Identifiers: ClinVar variation 1470972 (VCV001470972.7), dbSNP rs1468389010, ClinGen allele CA400325486.